The following is an entry in ClinVar:

NM_022166.4(XYLT1):c.1321C>T (p.Arg441Ter)

Gene: XYLT1 (xylosyltransferase 1; minus strand). Cytogenetic location: 16p12.3.
Variant type: single nucleotide variant.
Coding change: c.1321C>T on transcript NM_022166.4 (MANE Select); coding-DNA position 1321, C replaced by T.
Protein change: p.Arg441Ter; replaces arginine 441 with a stop codon.
Molecular consequence: nonsense.
Genome position (GRCh38, 1-based): chr16:17,158,878, G>A on the plus strand (C>T on the coding strand, the complement: XYLT1 is on the minus strand). VCF-style: chr16-17158878-G-A. GRCh37 (hg19) VCF-style: chr16-17252735-G-A.
Other names: short protein forms R441*.
Identifiers: ClinVar variation 958408 (VCV000958408.7), dbSNP rs1164720535, ClinGen allele CA394879545.

ClinVar aggregate classification (germline): Pathogenic (1 of 4 stars; one submission).

Conditions:
Desbuquois dysplasia 1 (DBQD1). Also called: DESBUQUOIS DYSPLASIA 1, KIM VARIANT; MICROMELIC DWARFISM WITH VERTEBRAL AND METAPHYSEAL ABNORMALITIES AND ADVANCED CARPOTARSAL OSSIFICATION. Identifiers: Orphanet 1425, MedGen C4012146, MONDO:0009629, OMIM 251450.

Allele frequency attached by ClinVar (database versions not stated): gnomAD exomes below 0.00001; gnomAD 0.00001.
gnomAD v4.1: 3 of 1,613,938 alleles (0.00019%); highest among the groups gnomAD compares: African/African-American, 0.0013%; no homozygotes.

Submission:

Labcorp Genetics (formerly Invitae), Labcorp
Classification: Pathogenic for Desbuquois dysplasia 1. Last evaluated: 2019-08-09. Review status: criteria provided, single submitter. Criteria: Invitae Variant Classification Sherloc (09022015). Collection method: clinical testing. Allele origin: germline.
Comment: Loss-of-function variants in XYLT1 are known to be pathogenic (PMID: 24581741, 26601923). For these reasons, this variant has been classified as Pathogenic. This variant has not been reported in the literature in individuals with XYLT1-related conditions. This variant is not present in population databases (ExAC no frequency). This sequence change creates a premature translational stop signal (p.Arg441*) in the XYLT1 gene. It is expected to result in an absent or disrupted protein product.

Literature cited by the submitters: PubMed 24581741; PubMed 26601923.